The following is an entry in ClinVar:

ClinVar aggregate classification (germline): Uncertain significance (1 of 4 stars; one submission).

Submission:

Labcorp Genetics (formerly Invitae), Labcorp
Classification: Uncertain significance. Last evaluated: 2023-08-17. Review status: criteria provided, single submitter. Criteria: Invitae Variant Classification Sherloc (09022015). Collection method: clinical testing. Allele origin: germline.
Comment: This variant has not been reported in the literature in individuals affected with HMCN1-related conditions. In summary, the available evidence is currently insufficient to determine the role of this variant in disease. Therefore, it has been classified as a Variant of Uncertain Significance. An algorithm developed to predict the effect of missense changes on protein structure and function (PolyPhen-2) suggests that this variant is likely to be disruptive. ClinVar contains an entry for this variant (Variation ID: 2087703). This variant is not present in population databases (gnomAD no frequency). This sequence change replaces isoleucine, which is neutral and non-polar, with asparagine, which is neutral and polar, at codon 3038 of the HMCN1 protein (p.Ile3038Asn).

NM_031935.3(HMCN1):c.9113T>A (p.Ile3038Asn)

Gene: HMCN1 (hemicentin 1; plus strand). Cytogenetic location: 1q31.1.
Variant type: single nucleotide variant.
Coding change: c.9113T>A on transcript NM_031935.3 (MANE Select); coding-DNA position 9113, T replaced by A.
Protein change: p.Ile3038Asn; replaces isoleucine 3038 with asparagine.
Molecular consequence: missense variant.
Genome position (GRCh38, 1-based): chr1:186,087,283, T>A. VCF-style: chr1-186087283-T-A. GRCh37 (hg19) VCF-style: chr1-186056415-T-A.
Other names: short protein forms I3038N.
Identifiers: ClinVar variation 2087703 (VCV002087703.4), dbSNP rs1659556160, ClinGen allele CA343918708.
Genomic context (GRCh38, chr1:186,087,283, plus strand): 5'-GAACTCTACAGATTATTCGGGCCAAGGTATCAGATGGTGGTGAATACACTTGTATAGCTA[T>A]CAATCAAGCTGGCGAAAGCAAGAAAAAGTTTTCCCTGACTGTTTATGGTTCGTTTTTACT-3'
Protein context (NP_114141.2, residues 3028-3048): SDGGEYTCIA[Ile3038Asn]NQAGESKKKF